The following is an entry in ClinVar:

ClinVar aggregate classification (germline): Conflicting classifications of pathogenicity. Review status: criteria provided, conflicting classifications (1 of 4 stars). 3 submissions from 3 submitters: Likely pathogenic (2); Uncertain significance (1). Last evaluated 2025-05-19.

Conditions:
ABCA4-related disorder. Also called: ABCA4-related condition; ABCA4-related disorders. Identifiers: MedGen CN239167.

Allele frequency attached by ClinVar (database versions not stated): gnomAD exomes below 0.00001 and 0.00001; ExAC 0.00001; gnomAD 0.00001; TOPMed 0.00001.
gnomAD v4.1: 11 of 1,613,774 alleles (0.00068%); highest among the groups gnomAD compares: Non-Finnish European, 0.00076%; no homozygotes.

Submissions (3):

Women's Health and Genetics/Laboratory Corporation of America, LabCorp
Classification: Uncertain significance. Last evaluated: 2025-05-19. Review status: criteria provided, single submitter. Criteria: LabCorp Variant Classification Summary - May 2015. Collection method: clinical testing. Allele origin: germline.
Comment: Variant summary: ABCA4 c.5773A>G (p.Arg1925Gly) results in a non-conservative amino acid change in the encoded protein sequence. Algorithms developed to predict the effect of missense changes on protein structure and function all suggest that this variant is likely to be disruptive. The variant allele was found at a frequency of 4e-06 in 251466 control chromosomes. c.5773A>G has been observed in individuals affected with ABCA4-Related Retinal Disease (Huang_2014, Fujinami_2019, Whelan_2023). These data indicate that the variant may be associated with disease. To our knowledge, no experimental evidence demonstrating an impact on protein function has been reported. The following publications have been ascertained in the context of this evaluation (PMID: 29925512, 31964843, 24550365, 37296172). ClinVar contains an entry for this variant (Variation ID: 867049). Based on the evidence outlined above, the variant was classified as VUS-possibly pathogenic.

Labcorp Genetics (formerly Invitae), Labcorp
Classification: Likely pathogenic. Last evaluated: 2023-07-29. Review status: criteria provided, single submitter. Criteria: Invitae Variant Classification Sherloc (09022015). Collection method: clinical testing. Allele origin: germline.
Comment: This variant is present in population databases (rs757449019, gnomAD 0.0009%). This sequence change replaces arginine, which is basic and polar, with glycine, which is neutral and non-polar, at codon 1925 of the ABCA4 protein (p.Arg1925Gly). This missense change has been observed in individual(s) with clinical features of Stargardt disease (PMID: 29925512). In summary, the currently available evidence indicates that the variant is pathogenic, but additional data are needed to prove that conclusively. Therefore, this variant has been classified as Likely Pathogenic. This variant disrupts the p.Arg1925 amino acid residue in ABCA4. Other variant(s) that disrupt this residue have been determined to be pathogenic (Invitae). This suggests that this residue is clinically significant, and that variants that disrupt this residue are likely to be disease-causing. Advanced modeling of protein sequence and biophysical properties (such as structural, functional, and spatial information, amino acid conservation, physicochemical variation, residue mobility, and thermodynamic stability) performed at Invitae indicates that this missense variant is expected to disrupt ABCA4 protein function. ClinVar contains an entry for this variant (Variation ID: 867049).

Blueprint Genetics
Classification: Likely pathogenic for ABCA4-related disorders. Last evaluated: 2022-08-25. Review status: criteria provided, single submitter. Criteria: ACMG Guidelines, 2015. Collection method: clinical testing. Allele origin: germline. Affected: yes. Observed: 3 variant alleles.

Literature cited by the submitters: PubMed 29925512 (cited by Women's Health and Genetics/Laboratory Corporation of America, LabCorp and Labcorp Genetics (formerly Invitae), Labcorp); PubMed 31964843 (cited by Women's Health and Genetics/Laboratory Corporation of America, LabCorp); PubMed 24550365 (cited by Women's Health and Genetics/Laboratory Corporation of America, LabCorp); PubMed 37296172 (cited by Women's Health and Genetics/Laboratory Corporation of America, LabCorp).

NM_000350.3(ABCA4):c.5773A>G (p.Arg1925Gly)

Gene: ABCA4 (ATP binding cassette subfamily A member 4; minus strand). Cytogenetic location: 1p22.1.
Variant type: single nucleotide variant.
Coding change: c.5773A>G on transcript NM_000350.3 (MANE Select); coding-DNA position 5773, A replaced by G.
Protein change: p.Arg1925Gly; replaces arginine 1925 with glycine.
Molecular consequence: missense variant.
Genome position (GRCh38, 1-based): chr1:94,008,813, T>C on the plus strand (A>G on the coding strand, the complement: ABCA4 is on the minus strand). VCF-style: chr1-94008813-T-C. GRCh37 (hg19) VCF-style: chr1-94474369-T-C.
Other names: c.5551A>G, p.Arg1851Gly (NM_001425324.1); short protein forms R1925G, R1851G.
Identifiers: ClinVar variation 867049 (VCV000867049.6), dbSNP rs757449019, ClinGen allele CA957122.